The following is an entry in ClinVar:

ClinVar aggregate classification (germline): Uncertain significance. Review status: criteria provided, multiple submitters, no conflicts (2 of 4 stars). 3 submissions from 3 submitters: Uncertain significance (3). Last evaluated 2025-05-22.

Conditions:
Inborn genetic diseases. Identifiers: MedGen C0950123, MeSH D030342.

Allele frequency attached by ClinVar (database versions not stated): TOPMed below 0.00001; gnomAD 0.00001; ESP Exome Variant Server 0.00008.
gnomAD v4.1: 10 of 1,613,770 alleles (0.00062%); highest among the groups gnomAD compares: Middle Eastern, 0.016%; no homozygotes.

Submissions (3):

Labcorp Genetics (formerly Invitae), Labcorp
Classification: Uncertain significance. Last evaluated: 2025-05-22. Review status: criteria provided, single submitter. Criteria: Invitae Variant Classification Sherloc (09022015). Collection method: clinical testing. Allele origin: germline.
Comment: This sequence change replaces phenylalanine, which is neutral and non-polar, with leucine, which is neutral and non-polar, at codon 712 of the VCAN protein (p.Phe712Leu). The frequency data for this variant in the population databases is considered unreliable, as metrics indicate poor data quality at this position in the gnomAD database. This variant has not been reported in the literature in individuals affected with VCAN-related conditions. ClinVar contains an entry for this variant (Variation ID: 2252463). An algorithm developed to predict the effect of missense changes on protein structure and function outputs the following: PolyPhen-2: "Benign". The leucine amino acid residue is found in multiple mammalian species, which suggests that this missense change does not adversely affect protein function. In summary, the available evidence is currently insufficient to determine the role of this variant in disease. Therefore, it has been classified as a Variant of Uncertain Significance.

Ambry Genetics
Classification: Uncertain significance for Inborn genetic diseases. Last evaluated: 2021-09-27. Review status: criteria provided, single submitter. Criteria: Ambry Variant Classification Scheme 2023. Collection method: clinical testing. Allele origin: germline.

Blueprint Genetics
Classification: Uncertain significance. Last evaluated: 2021-09-18. Review status: criteria provided, single submitter. Criteria: ACMG Guidelines, 2015. Collection method: clinical testing. Allele origin: germline.

NM_004385.5(VCAN):c.2134T>C (p.Phe712Leu)

Gene: VCAN (versican; plus strand). Cytogenetic location: 5q14.3.
Variant type: single nucleotide variant.
Coding change: c.2134T>C on transcript NM_004385.5 (MANE Select); coding-DNA position 2134, T replaced by C.
Protein change: p.Phe712Leu; replaces phenylalanine 712 with leucine.
Molecular consequence: missense variant. On other transcripts: intron variant (2).
Genome position (GRCh38, 1-based): chr5:83,520,440, T>C. VCF-style: chr5-83520440-T-C. GRCh37 (hg19) VCF-style: chr5-82816259-T-C.
Other names: c.2134T>C, p.Phe712Leu (NM_001164098.2); c.1042+8044T>C (NM_001164097.2, NM_001126336.3); short protein forms F712L.
Identifiers: ClinVar variation 2252463 (VCV002252463.4), dbSNP rs377493488, ClinGen allele CA3332793.